The following is an entry in ClinVar:

NM_030665.4(RAI1):c.5416G>C (p.Glu1806Gln)

Gene: RAI1 (retinoic acid induced 1; plus strand). Cytogenetic location: 17p11.2.
Variant type: single nucleotide variant.
Coding change: c.5416G>C on transcript NM_030665.4 (MANE Select); coding-DNA position 5416, G replaced by C.
Protein change: p.Glu1806Gln; replaces glutamic acid 1806 with glutamine.
Molecular consequence: missense variant.
Genome position (GRCh38, 1-based): chr17:17,798,364, G>C. VCF-style: chr17-17798364-G-C. GRCh37 (hg19) VCF-style: chr17-17701678-G-C.
Other names: c.5416G>C (NM_030665.3); short protein forms E1806Q.
Identifiers: ClinVar variation 3768171 (VCV003768171.2).

ClinVar aggregate classification (germline): Uncertain significance. Review status: criteria provided, multiple submitters, no conflicts (2 of 4 stars). 2 submissions from 2 submitters: Uncertain significance (2). Last evaluated 2026-08-04.

Conditions:
RAI1-related disorder. Also called: RAI1-related condition.

Submissions (2):

PreventionGenetics, part of Exact Sciences
Classification: Uncertain significance for RAI1-related condition. Last evaluated: 2026-08-04. Review status: criteria provided, single submitter. Criteria: ACMG Guidelines, 2015. Collection method: clinical testing. Allele origin: germline.
Comment: The RAI1 c.5416G>C variant is predicted to result in the amino acid substitution p.Glu1806Gln. To our knowledge, this variant has not been reported in the literature. This variant is reported in 0.0034% of alleles in individuals of South Asian descent in gnomAD. At this time, the clinical significance of this variant is uncertain due to the absence of conclusive functional and genetic evidence.

Women's Health and Genetics/Laboratory Corporation of America, LabCorp
Classification: Uncertain significance. Last evaluated: 2024-12-10. Review status: criteria provided, single submitter. Criteria: LabCorp Variant Classification Summary - May 2015. Collection method: clinical testing. Allele origin: germline.
Comment: Variant summary: RAI1 c.5416G>C (p.Glu1806Gln) results in a conservative amino acid change in the encoded protein sequence. Three of five in-silico tools predict a benign effect of the variant on protein function. The variant allele was found at a frequency of 4.3e-06 in 234000 control chromosomes. The available data on variant occurrences in the general population are insufficient to allow any conclusion about variant significance. To our knowledge, no occurrence of c.5416G>C in individuals affected with Smith-Magenis Syndrome and no experimental evidence demonstrating its impact on protein function have been reported. No submitters have cited clinical-significance assessments for this variant to ClinVar. Based on the evidence outlined above, the variant was classified as uncertain significance.